The following is an entry in ClinVar:

NM_000388.4(CASR):c.3169T>G (p.Ser1057Ala)

Gene: CASR (calcium sensing receptor; plus strand). Cytogenetic location: 3q21.1.
Variant type: single nucleotide variant.
Coding change: c.3169T>G on transcript NM_000388.4 (MANE Select); coding-DNA position 3169, T replaced by G.
Protein change: p.Ser1057Ala; replaces serine 1057 with alanine.
Molecular consequence: missense variant.
Genome position (GRCh38, 1-based): chr3:122,285,123, T>G. VCF-style: chr3-122285123-T-G. GRCh37 (hg19) VCF-style: chr3-122003970-T-G.
Other names: c.3199T>G, p.Ser1067Ala (NM_001178065.2); short protein forms S1057A, S1067A.
Identifiers: ClinVar variation 1728401 (VCV001728401.2), dbSNP rs1553769334, ClinGen allele CA354161676.

ClinVar aggregate classification (germline): Uncertain significance (1 of 4 stars; one submission).

Conditions:
Nephrolithiasis/nephrocalcinosis. Identifiers: MedGen CN580796.

Submission:

Ambry Genetics
Classification: Uncertain significance for Nephrolithiasis/nephrocalcinosis. Last evaluated: 2022-06-18. Review status: criteria provided, single submitter. Criteria: Ambry Variant Classification Scheme 2023. Collection method: clinical testing. Allele origin: germline.
Comment: The p.S1057A variant (also known as c.3169T>G), located in coding exon 6 of the CASR gene, results from a T to G substitution at nucleotide position 3169. The serine at codon 1057 is replaced by alanine, an amino acid with similar properties. This amino acid position is conserved. In addition, this alteration is predicted to be tolerated by in silico analysis. Since supporting evidence is limited at this time, the clinical significance of this alteration remains unclear.